The following is an entry in ClinVar:

ClinVar aggregate classification (germline): Uncertain significance (1 of 4 stars; one submission).

Submission:

Labcorp Genetics (formerly Invitae), Labcorp
Classification: Uncertain significance. Last evaluated: 2024-05-07. Review status: criteria provided, single submitter. Criteria: Invitae Variant Classification Sherloc (09022015). Collection method: clinical testing. Allele origin: germline.
Comment: This sequence change replaces asparagine, which is neutral and polar, with serine, which is neutral and polar, at codon 430 of the FBXO11 protein (p.Asn430Ser). This variant is not present in population databases (gnomAD no frequency). This variant has not been reported in the literature in individuals affected with FBXO11-related conditions. An algorithm developed to predict the effect of missense changes on protein structure and function (PolyPhen-2) suggests that this variant is likely to be disruptive. In summary, the available evidence is currently insufficient to determine the role of this variant in disease. Therefore, it has been classified as a Variant of Uncertain Significance.

NM_001190274.2(FBXO11):c.1289A>G (p.Asn430Ser)

Gene: FBXO11 (F-box protein 11; minus strand). Cytogenetic location: 2p16.3.
Variant type: single nucleotide variant.
Coding change: c.1289A>G on transcript NM_001190274.2 (MANE Select); coding-DNA position 1289, A replaced by G.
Protein change: p.Asn430Ser; replaces asparagine 430 with serine.
Molecular consequence: missense variant.
Genome position (GRCh38, 1-based): chr2:47,832,458, T>C on the plus strand (A>G on the coding strand, the complement: FBXO11 is on the minus strand). VCF-style: chr2-47832458-T-C. GRCh37 (hg19) VCF-style: chr2-48059597-T-C.
Other names: c.1037A>G, p.Asn346Ser (NM_001374325.1, NM_025133.4); short protein forms N430S, N346S.
Identifiers: ClinVar variation 2814987 (VCV002814987.3), dbSNP rs2531189311, ClinGen allele CA346765412.
Genomic context (GRCh38, chr2:47,832,458, plus strand): 5'-TGATTCCGTCTAATAATTGGGTTTCCATGATTTTTAACCCAAATCCCAGCTAACGCATTA[T>C]TGGAAATTTCATTATCCTCATATATTCCCTACAACAAGTTATCAGAAACAAACATCAGTA-3'
Protein context (NP_001177203.1, residues 420-440): QGIYEDNEIS[Asn430Ser]NALAGIWVKN